The following is an entry in ClinVar:

ClinVar aggregate classification (germline): Pathogenic (1 of 4 stars; one submission).

Conditions:
Cerebral cavernous malformation (CCM). Also called: Cerebral cavernous malformations; CEREBRAL CAPILLARY MALFORMATIONS; Cavernous Hemangioma of Brain; Cerebral cavernous hemangioma (type); CAVERNOUS ANGIOMA, FAMILIAL; CAVERNOUS ANGIOMATOUS MALFORMATIONS. Identifiers: Orphanet 221061, MedGen C2919945, MONDO:0000820, OMIM 116860, HP:0033522.

Submission:

Labcorp Genetics (formerly Invitae), Labcorp
Classification: Pathogenic for Cerebral cavernous malformation. Last evaluated: 2022-12-30. Review status: criteria provided, single submitter. Criteria: Invitae Variant Classification Sherloc (09022015). Collection method: clinical testing. Allele origin: germline.
Comment: For these reasons, this variant has been classified as Pathogenic. ClinVar contains an entry for this variant (Variation ID: 1355783). This variant has not been reported in the literature in individuals affected with KRIT1-related conditions. This variant is not present in population databases (gnomAD no frequency). This sequence change creates a premature translational stop signal (p.Ala676Glyfs*7) in the KRIT1 gene. It is expected to result in an absent or disrupted protein product. Loss-of-function variants in KRIT1 are known to be pathogenic (PMID: 10508515, 11222804, 12404106, 24689081).

Literature cited by the submitters: PubMed 10508515; PubMed 11222804; PubMed 12404106; PubMed 24689081.

NC_000007.14:g.92201424dup

Gene: KRIT1 (KRIT1 ankyrin repeat containing; minus strand). Cytogenetic location: 7q21.2.
Variant type: Duplication.
Genome position: GRCh38 VCF-style: chr7-92201422-G-GC. GRCh37 (hg19) VCF-style: chr7-91830736-G-GC.
Identifiers: ClinVar variation 1355783 (VCV001355783.6), dbSNP rs2131089744, ClinGen allele CA2573142412.